The following is an entry in ClinVar:

NM_001384474.1(LOXHD1):c.4023del (p.Lys1341fs)

Gene: LOXHD1 (lipoxygenase homology PLAT domains 1; minus strand). Cytogenetic location: 18q21.1.
Variant type: Deletion.
Coding change: c.4023del on transcript NM_001384474.1 (MANE Select); coding-DNA position 4023, one base deleted (G; older notation c.4023delG).
Protein change: p.Lys1341fs; shifts the reading frame from lysine 1341.
Molecular consequence: frameshift variant.
Genome position (GRCh38, 1-based): chr18:46,538,228, C deleted on the plus strand (G on the coding strand, the reverse complement: LOXHD1 is on the minus strand). VCF-style (leftmost placement, unchanged base first): chr18-46538227-AC-A. GRCh37 (hg19) VCF-style: chr18-44118190-AC-A.
Other names: c.690del, p.Lys230fs (NM_001145472.3); c.402del, p.Lys134fs (NM_001308013.2); c.4023del, p.Lys1341fs (NM_144612.7); short protein forms K1341fs, K134fs, K230fs.
Identifiers: ClinVar variation 4081722 (VCV004081722.1).

ClinVar aggregate classification (germline): Pathogenic (1 of 4 stars; one submission).

Conditions:
Autosomal recessive nonsyndromic hearing loss 77. Identifiers: Orphanet 90636, MedGen C2746083, MONDO:0013119, OMIM 613079.

Submission:

Myriad Genetics, Inc.
Classification: Pathogenic for Autosomal recessive nonsyndromic hearing loss 77. Last evaluated: 2025-05-10. Review status: criteria provided, single submitter. Criteria: Myriad Autosomal Dominant, Autosomal Recessive and X-Linked Classification Criteria (2023). Collection method: clinical testing. Allele origin: unknown.
Comment: NM_144612.6(LOXHD1):c.4023delG(K1341Nfs*24) is a frameshift variant classified as pathogenic in the context of nonsyndromic hearing loss, LOXHD1-related. K1341Nfs*24 has not been observed in cases with relevant disease. Relevant functional assessments of this variant are not available in the literature. K1341Nfs*24 has not been observed in referenced population frequency databases. In summary, NM_144612.6(LOXHD1):c.4023delG(K1341Nfs*24) is a frameshift variant in a gene where loss of function is a known mechanism of disease and is predicted to disrupt protein function. Please note: this variant was assessed in the context of healthy population screening.